The following is an entry in ClinVar:

ClinVar aggregate classification (germline): Pathogenic (1 of 4 stars; one submission).

Conditions:
Autosomal recessive limb-girdle muscular dystrophy type 2U. Also called: MUSCULAR DYSTROPHY, LIMB-GIRDLE, TYPE 2U; Muscular dystrophy-dystroglycanopathy (limb-girdle), type c, 7. Identifiers: Orphanet 352479, MedGen C5190987, MONDO:0014474, OMIM 616052.
Muscular dystrophy-dystroglycanopathy (congenital with brain and eye anomalies), type A, 7. Also called: WALKER-WARBURG SYNDROME OR MUSCLE-EYE-BRAIN DISEASE, ISPD-RELATED; Congenital muscular dystrophy-dystroglycanopathy with brain and eye anomalies, type A7. Identifiers: Orphanet 899, MedGen C3553330, MONDO:0013835, OMIM 614643.

Submission:

Labcorp Genetics (formerly Invitae), Labcorp
Classification: Pathogenic for Muscular dystrophy-dystroglycanopathy (congenital with brain and eye anomalies), type A, 7; Autosomal recessive limb-girdle muscular dystrophy type 2U. Last evaluated: 2022-03-09. Review status: criteria provided, single submitter. Criteria: Invitae Variant Classification Sherloc (09022015). Collection method: clinical testing. Allele origin: germline.
Comment: For these reasons, this variant has been classified as Pathogenic. This variant has not been reported in the literature in individuals affected with ISPD-related conditions. This variant is a gross deletion of the genomic region encompassing exon(s) 4-5 of the ISPD gene. This deletion is out-of-frame, and is expected to create a premature termination codon and result in an absent or disrupted protein product. Loss-of-function variants in ISPD are known to be pathogenic (PMID: 23288328).

Literature cited by the submitters: PubMed 23288328.

NC_000007.13:g.(?_16341026)_(16348272_?)del

Gene: CRPPA (CDP-L-ribitol pyrophosphorylase A; minus strand). Cytogenetic location: 7p21.2.
Variant type: Deletion.
Identifiers: ClinVar variation 473151 (VCV000473151.11).